The following is an entry in ClinVar:

NM_021930.6(RINT1):c.1317G>C (p.Leu439Phe)

Gene: RINT1 (RAD50 interactor 1; plus strand). Cytogenetic location: 7q22.3.
Variant type: single nucleotide variant.
Coding change: c.1317G>C on transcript NM_021930.6 (MANE Select); coding-DNA position 1317, G replaced by C.
Protein change: p.Leu439Phe; replaces leucine 439 with phenylalanine.
Molecular consequence: missense variant. On other transcripts: non-coding transcript variant (1).
Genome position (GRCh38, 1-based): chr7:105,550,470, G>C. VCF-style: chr7-105550470-G-C. GRCh37 (hg19) VCF-style: chr7-105190917-G-C.
Other names: c.1083G>C, p.Leu361Phe (NM_001346599.2); c.294G>C, p.Leu98Phe (NM_001346600.2, NM_001346603.2); c.393G>C, p.Leu131Phe (NM_001346601.2); short protein forms L361F, L439F, L98F, L131F.
Identifiers: ClinVar variation 665600 (VCV000665600.14), dbSNP rs150180546, ClinGen allele CA4426640.

ClinVar aggregate classification (germline): Uncertain significance. Review status: criteria provided, multiple submitters, no conflicts (2 of 4 stars). 3 submissions from 3 submitters: Uncertain significance (3). Last evaluated 2025-07-14.

Allele frequency attached by ClinVar (database versions not stated): gnomAD exomes 0.00009; gnomAD 0.00010; 1000 Genomes Project 0.00020; TOPMed 0.00009; ESP Exome Variant Server 0.00015; 1000 Genomes Project 30x 0.00016.
gnomAD v4.1: 149 of 1,613,462 alleles (0.0092%); highest among the groups gnomAD compares: Middle Eastern, 0.033%; no homozygotes.

Submissions (3):

Labcorp Genetics (formerly Invitae), Labcorp
Classification: Uncertain significance. Last evaluated: 2025-07-14. Review status: criteria provided, single submitter. Criteria: Invitae Variant Classification Sherloc (09022015). Collection method: clinical testing. Allele origin: germline.
Comment: This sequence change replaces leucine, which is neutral and non-polar, with phenylalanine, which is neutral and non-polar, at codon 439 of the RINT1 protein (p.Leu439Phe). This variant is present in population databases (rs150180546, gnomAD 0.02%). This variant has not been reported in the literature in individuals affected with RINT1-related conditions. ClinVar contains an entry for this variant (Variation ID: 665600). An algorithm developed to predict the effect of missense changes on protein structure and function (PolyPhen-2) suggests that this variant is likely to be disruptive. In summary, the available evidence is currently insufficient to determine the role of this variant in disease. Therefore, it has been classified as a Variant of Uncertain Significance.

Ambry Genetics
Classification: Uncertain significance. Last evaluated: 2024-12-04. Review status: criteria provided, single submitter. Criteria: Ambry Variant Classification Scheme 2023. Collection method: clinical testing. Allele origin: germline.

Institute for Clinical Genetics, University Hospital TU Dresden, University Hospital TU Dresden
Classification: Uncertain significance. Last evaluated: 2021-11-03. Review status: criteria provided, single submitter. Criteria: ACMG Guidelines, 2015. Collection method: clinical testing. Allele origin: germline.